The following is an entry in ClinVar:

NM_001100.4(ACTA1):c.1065G>A (p.Gln355=)

Gene: ACTA1 (actin alpha 1, skeletal muscle; minus strand). Cytogenetic location: 1q42.13.
Variant type: single nucleotide variant.
Coding change: c.1065G>A on transcript NM_001100.4 (MANE Select); coding-DNA position 1065, G replaced by A.
Protein change: p.Gln355=; no amino-acid change (glutamine 355 retained).
Molecular consequence: synonymous variant.
Genome position (GRCh38, 1-based): chr1:229,431,568, C>T on the plus strand (G>A on the coding strand, the complement: ACTA1 is on the minus strand). VCF-style: chr1-229431568-C-T. GRCh37 (hg19) VCF-style: chr1-229567315-C-T.
Identifiers: ClinVar variation 510989 (VCV000510989.15), dbSNP rs375945657, ClinGen allele CA1442712.

ClinVar aggregate classification (germline): Conflicting classifications of pathogenicity. Review status: criteria provided, conflicting classifications (1 of 4 stars). 3 submissions from 3 submitters: Uncertain significance (1); Likely benign (2). Last evaluated 2026-03-01.

Conditions:
Actin accumulation myopathy (CMYO2A). Also called: Nemaline myopathy type 3; Myopathy, actin, congenital, with excess of thin myofilaments; CONGENITAL MYOPATHY 2A, TYPICAL, AUTOSOMAL DOMINANT; Myopathy, actin, congenital, with cores; Nemaline myopathy 3, with intranuclear rods. Identifiers: Orphanet 98904, MedGen C3711389, MONDO:0008070, OMIM 161800.

Allele frequency attached by ClinVar (database versions not stated): ExAC 0.00005; gnomAD exomes 0.00005 and 0.00009; gnomAD 0.00007 and 0.00009; ESP Exome Variant Server 0.00008; TOPMed 0.00008.
gnomAD v4.1: 146 of 1,613,824 alleles (0.009%); highest among the groups gnomAD compares: Non-Finnish European, 0.011%; no homozygotes.

Submissions (3):

CeGaT Center for Human Genetics Tuebingen
Classification: Likely benign. Last evaluated: 2026-03-01. Review status: criteria provided, single submitter. Criteria: CeGaT Center For Human Genetics Tuebingen Variant Classification Criteria Version 2. Collection method: clinical testing. Allele origin: germline. Affected: yes. Observed: 1 variant allele.
Comment: ACTA1: BP7

Labcorp Genetics (formerly Invitae), Labcorp
Classification: Likely benign for Actin accumulation myopathy. Last evaluated: 2025-11-20. Review status: criteria provided, single submitter. Criteria: Invitae Variant Classification Sherloc (09022015). Collection method: clinical testing. Allele origin: germline.

GeneDx
Classification: Uncertain significance. Last evaluated: 2024-06-20. Review status: criteria provided, single submitter. Criteria: GeneDx Variant Classification Process June 2021. Collection method: clinical testing. Allele origin: germline. Affected: yes.
Comment: See Variant Classification Assertion Criteria.